The following is an entry in ClinVar:

ClinVar aggregate classification (germline): Pathogenic. Review status: criteria provided, multiple submitters, no conflicts (2 of 4 stars). 2 submissions from 2 submitters: Pathogenic (2). Last evaluated 2022-03-27.

Conditions:
Generalized dominant dystrophic epidermolysis bullosa (DDEB). Also called: DYSTROPHIC EPIDERMOLYSIS BULLOSA, AUTOSOMAL DOMINANT; Epidermolysis bullosa dystrophica, autosomal dominant; DDEB, generalized; DDEB-gen; Dominant DEB (DDEB). Identifiers: Orphanet 231568, MedGen C0432322, MONDO:0007549, OMIM 131750.

Submissions (2):

Labcorp Genetics (formerly Invitae), Labcorp
Classification: Pathogenic. Last evaluated: 2022-03-27. Review status: criteria provided, single submitter. Criteria: Invitae Variant Classification Sherloc (09022015). Collection method: clinical testing. Allele origin: germline.
Comment: This variant is not present in population databases (gnomAD no frequency). This sequence change replaces glycine, which is neutral and non-polar, with arginine, which is basic and polar, at codon 2009 of the COL7A1 protein (p.Gly2009Arg). This missense change has been observed in individuals with autosomal dominant dystrophic epidermolysis bullosa (PMID: 9215684, 10084325; Invitae). For these reasons, this variant has been classified as Pathogenic. This variant disrupts the triple helix domain of COL7A1. Glycine residues within the Gly-Xaa-Yaa repeats of the triple helix domain are required for the structure and stability of fibrillar collagens (PMID: 7695699, 8218237, 19344236), and variants at these glycine residues in COL7A1 are more frequently observed in individuals with disease than in the general population (PMID: 22058051). However, the clinical significance of this observation remains uncertain since only a limited number of affected individuals have been described to date. Advanced modeling of protein sequence and biophysical properties (such as structural, functional, and spatial information, amino acid conservation, physicochemical variation, residue mobility, and thermodynamic stability) performed at Invitae indicates that this missense variant is expected to disrupt COL7A1 protein function.

Center for Research in Genodermatoses and Epidermolysis Bullosa, University of Buenos Aires
Classification: Pathogenic for Generalized dominant dystrophic epidermolysis bullosa. Last evaluated: 2022-03-14. Review status: criteria provided, single submitter. Criteria: ACMG Guidelines, 2015. Collection method: clinical testing. Allele origin: germline. Affected: yes. Observed: 1 variant allele, 1 heterozygote.

Literature cited by the submitters: PubMed 9215684 (cited by Labcorp Genetics (formerly Invitae), Labcorp and Center for Research in Genodermatoses and Epidermolysis Bullosa, University of Buenos Aires); PubMed 10084325 (cited by Labcorp Genetics (formerly Invitae), Labcorp); PubMed 7695699 (cited by Labcorp Genetics (formerly Invitae), Labcorp); PubMed 8218237 (cited by Labcorp Genetics (formerly Invitae), Labcorp); PubMed 19344236 (cited by Labcorp Genetics (formerly Invitae), Labcorp); PubMed 22058051 (cited by Labcorp Genetics (formerly Invitae), Labcorp); PubMed 35979658 (cited by Center for Research in Genodermatoses and Epidermolysis Bullosa, University of Buenos Aires).

NM_000094.4(COL7A1):c.6025G>A (p.Gly2009Arg)

Gene: COL7A1 (collagen type VII alpha 1 chain; minus strand). Cytogenetic location: 3p21.31.
Variant type: single nucleotide variant.
Coding change: c.6025G>A on transcript NM_000094.4 (MANE Select); coding-DNA position 6025, G replaced by A.
Protein change: p.Gly2009Arg; replaces glycine 2009 with arginine.
Molecular consequence: missense variant.
Genome position (GRCh38, 1-based): chr3:48,575,494, C>T on the plus strand (G>A on the coding strand, the complement: COL7A1 is on the minus strand). VCF-style: chr3-48575494-C-T. GRCh37 (hg19) VCF-style: chr3-48612927-C-T.
Other names: short protein forms G2009R.
Identifiers: ClinVar variation 1676647 (VCV001676647.6), dbSNP rs2107675021, ClinGen allele CA352663802.
Genomic context (GRCh38, chr3:48,575,494, plus strand): 5'-GCCCGGGGGGGCCCCTCTCCCCAAGGGCCAGACCAGGTGGCCCCTGAGGGCCAGGGTCTC[C>T]ACGGTCGCCCTTCAGCCCGCGTTCTCCAGGAAAGCCGATGGGGCCCTGCAGGAGTGGAAG-3'
Protein context (NP_000085.1, residues 1999-2019): PGERGLKGDR[Gly2009Arg]DPGPQGPPGL